The following is an entry in ClinVar:

ClinVar aggregate classification (germline): Uncertain significance. Review status: criteria provided, multiple submitters, no conflicts (2 of 4 stars). 3 submissions from 3 submitters: Uncertain significance (3). Last evaluated 2025-07-15.

Conditions:
MEGF10-related myopathy (CMYO10A). Also called: Congenital myopathy 10A, severe variant. Identifiers: Orphanet 439212, MedGen C3280679, MONDO:0013731, OMIM 614399.
Inborn genetic diseases. Identifiers: MedGen C0950123, MeSH D030342.

Allele frequency attached by ClinVar (database versions not stated): gnomAD exomes below 0.00001; TOPMed 0.00001.
gnomAD v4.1: 4 of 1,613,736 alleles (0.00025%); highest among the groups gnomAD compares: Non-Finnish European, 0.00034%; no homozygotes.

Submissions (3):

Ambry Genetics
Classification: Uncertain significance for Inborn genetic diseases. Last evaluated: 2025-07-15. Review status: criteria provided, single submitter. Criteria: Ambry Variant Classification Scheme 2023. Collection method: clinical testing. Allele origin: germline.

Revvity Omics, Revvity
Classification: Uncertain significance. Last evaluated: 2024-07-17. Review status: criteria provided, single submitter. Criteria: ACMG Guidelines, 2015. Collection method: clinical testing. Allele origin: germline.

Labcorp Genetics (formerly Invitae), Labcorp
Classification: Uncertain significance for MEGF10-related myopathy. Last evaluated: 2020-08-08. Review status: criteria provided, single submitter. Criteria: Invitae Variant Classification Sherloc (09022015). Collection method: clinical testing. Allele origin: germline.
Comment: In summary, the available evidence is currently insufficient to determine the role of this variant in disease. Therefore, it has been classified as a Variant of Uncertain Significance. Algorithms developed to predict the effect of missense changes on protein structure and function output the following: SIFT: "Tolerated"; PolyPhen-2: "Benign"; Align-GVGD: "Class C0". The proline amino acid residue is found in multiple mammalian species, suggesting that this missense change does not adversely affect protein function. These predictions have not been confirmed by published functional studies and their clinical significance is uncertain. This variant has not been reported in the literature in individuals with MEGF10-related conditions. This variant is not present in population databases (ExAC no frequency). This sequence change replaces serine with proline at codon 257 of the MEGF10 protein (p.Ser257Pro). The serine residue is weakly conserved and there is a moderate physicochemical difference between serine and proline.

NM_001256545.2(MEGF10):c.769T>C (p.Ser257Pro)

Gene: MEGF10 (multiple EGF like domains 10; plus strand). Cytogenetic location: 5q23.2.
Variant type: single nucleotide variant.
Coding change: c.769T>C on transcript NM_001256545.2 (MANE Select); coding-DNA position 769, T replaced by C.
Protein change: p.Ser257Pro; replaces serine 257 with proline.
Molecular consequence: missense variant.
Genome position (GRCh38, 1-based): chr5:127,398,785, T>C. VCF-style: chr5-127398785-T-C. GRCh37 (hg19) VCF-style: chr5-126734477-T-C.
Other names: c.769T>C, p.Ser257Pro (NM_001308119.2, NM_001308121.2, NM_032446.3); c.769T>C (NM_032446.2); short protein forms S257P.
Identifiers: ClinVar variation 1007898 (VCV001007898.9), dbSNP rs1482140533, ClinGen allele CA360720991.
Genomic context (GRCh38, chr5:127,398,785, plus strand): 5'-AGATGCCCTTGTCAAAATGGAGGAGTGTGTCATCACGTCACTGGAGAATGCTCTTGCCCT[T>C]CTGGCTGGATGGTAAGCTTCCTTCCCACCTCCTCTGCCCCTGCCCCAAAGTCACCCATTC-3'
Protein context (NP_001243474.1, residues 247-267): HHVTGECSCP[Ser257Pro]GWMGTVCGQP